The following is an entry in ClinVar:

ClinVar aggregate classification (germline): Pathogenic (1 of 4 stars; one submission).

Conditions:
Hereditary hemochromatosis (HFE). Identifiers: MedGen C0392514, MONDO:0006507. Disease mechanism: loss of function.

Submission:

Labcorp Genetics (formerly Invitae), Labcorp
Classification: Pathogenic for Hereditary hemochromatosis. Last evaluated: 2023-02-16. Review status: criteria provided, single submitter. Criteria: Invitae Variant Classification Sherloc (09022015). Collection method: clinical testing. Allele origin: germline.
Comment: For these reasons, this variant has been classified as Pathogenic. Algorithms developed to predict the effect of sequence changes on RNA splicing suggest that this variant may create or strengthen a splice site. Experimental studies have shown that this premature translational stop signal affects TFR2 function (PMID: 12134060). Algorithms developed to predict the effect of variants on protein structure and function are not available or were not evaluated for this variant. This premature translational stop signal has been observed in individual(s) with haemochromatosis (PMID: 10802645). This variant is not present in population databases (gnomAD no frequency). This sequence change creates a premature translational stop signal (p.Tyr250*) in the TFR2 gene. It is expected to result in an absent or disrupted protein product. Loss-of-function variants in TFR2 are known to be pathogenic (PMID: 23600741, 26029709).

Literature cited by the submitters: PubMed 12134060; PubMed 10802645; PubMed 23600741; PubMed 26029709.

NM_003227.4(TFR2):c.750del (p.His249_Tyr250insTer)

Gene: TFR2 (transferrin receptor 2; minus strand). Cytogenetic location: 7q22.1.
Variant type: Deletion.
Coding change: c.750del on transcript NM_003227.4 (MANE Select); coding-DNA position 750, one base deleted (C; older notation c.750delC).
Protein change: p.His249_Tyr250insTer.
Molecular consequence: nonsense.
Genome position (GRCh38, 1-based): chr7:100,633,100, G deleted on the plus strand (C on the coding strand, the reverse complement: TFR2 is on the minus strand). VCF-style (leftmost placement, unchanged base first): chr7-100633099-CG-C. GRCh37 (hg19) VCF-style: chr7-100230722-CG-C.
Other names: c.237del, p.His78_Tyr79insTer (NM_001206855.3).
Identifiers: ClinVar variation 2838210 (VCV002838210.3), dbSNP rs2486133707, ClinGen allele CA2739279330.
Genomic context (GRCh38, chr7:100,633,099, plus strand): 5'-GCAGGCGGCCCACTGGATCCACGCCCCTGGCCCGCAGGTCCTGCAGGTCTTCGGGCCGCC[CG>C]TAGTGGGCGTACACCAGCTCTCCCTGGGGACACGAGGACGGTGAGGCGCGCTCCCCGCGT-3'